The following is an entry in ClinVar:

NR_199791.1(RNU2-2):n.14C>G

Genes: RNU2-2 (RNA, U2 small nuclear 2; minus strand), WDR74 (WD repeat domain 74; minus strand). Cytogenetic location: 11q12.3.
Variant type: single nucleotide variant.
Molecular consequence: non-coding transcript variant (on NR_199791.1). On other transcripts: 5 prime UTR variant (1).
Genome position: GRCh38 VCF-style: chr11-62841796-G-C. GRCh37 (hg19) VCF-style: chr11-62609268-G-C.
Other names: c.-525C>G (NM_001369451.1).
Identifiers: ClinVar variation 4540543 (VCV004540543.1).

ClinVar aggregate classification (germline): Uncertain significance (1 of 4 stars; one submission).

gnomAD v4.1: 1 of 152,128 alleles (0.00066%); highest among the groups gnomAD compares: African/African-American, 0.0024%; no homozygotes.

Submission:

Institute for Human Genetics, University Hospital Essen
Classification: Uncertain significance. Last evaluated: 2025-11-27. Review status: criteria provided, single submitter. Criteria: Submitter's publication. Collection method: clinical testing. Allele origin: inherited. Inheritance: Autosomal unknown. Affected: yes. Observed: 1 variant allele, 1 compound heterozygote.
Comment: PM1, PM2_supp (criteria rationale detailed in Leitão et al. Nature Genetics 2026)